The following is an entry in ClinVar:

NM_001792.5(CDH2):c.1012G>A (p.Asp338Asn)

Gene: CDH2 (cadherin 2; minus strand). Cytogenetic location: 18q12.1.
Variant type: single nucleotide variant.
Coding change: c.1012G>A on transcript NM_001792.5 (MANE Select); coding-DNA position 1012, G replaced by A.
Protein change: p.Asp338Asn; replaces aspartic acid 338 with asparagine.
Molecular consequence: missense variant.
Genome position (GRCh38, 1-based): chr18:28,003,005, C>T on the plus strand (G>A on the coding strand, the complement: CDH2 is on the minus strand). VCF-style: chr18-28003005-C-T. GRCh37 (hg19) VCF-style: chr18-25582969-C-T.
Other names: c.919G>A, p.Asp307Asn (NM_001308176.2); short protein forms D338N, D307N.
Identifiers: ClinVar variation 1393996 (VCV001393996.6), dbSNP rs2012813595, ClinGen allele CA402242681.
Genomic context (GRCh38, chr18:28,003,005, plus strand): 5'-GTGCACCTTTAAGATTAAAAACAAACACAAATAGAGTTTTTGGTTGGCTTACTTCTCGAT[C>T]AAGTCCAGCTGCCACTGTGATGATGTCACCAGTCTCATTGTTGATTGTAAACATGTTGGG-3'
Protein context (NP_001783.2, residues 328-348): GDIITVAAGL[Asp338Asn]REKVQQYTLI

ClinVar aggregate classification (germline): Uncertain significance (1 of 4 stars; one submission).

Submission:

Labcorp Genetics (formerly Invitae), Labcorp
Classification: Uncertain significance. Last evaluated: 2021-11-19. Review status: criteria provided, single submitter. Criteria: Invitae Variant Classification Sherloc (09022015). Collection method: clinical testing. Allele origin: germline.
Comment: This sequence change replaces aspartic acid, which is acidic and polar, with asparagine, which is neutral and polar, at codon 338 of the CDH2 protein (p.Asp338Asn). In summary, the available evidence is currently insufficient to determine the role of this variant in disease. Therefore, it has been classified as a Variant of Uncertain Significance. Algorithms developed to predict the effect of missense changes on protein structure and function are either unavailable or do not agree on the potential impact of this missense change (SIFT: "Deleterious"; PolyPhen-2: "Probably Damaging"; Align-GVGD: "Class C0"). This variant has not been reported in the literature in individuals affected with CDH2-related conditions. This variant is not present in population databases (gnomAD no frequency).